The following is an entry in ClinVar:

NM_001128840.3(CACNA1D):c.3874A>G (p.Thr1292Ala)

Gene: CACNA1D (calcium voltage-gated channel subunit alpha1 D; plus strand). Cytogenetic location: 3p21.1.
Variant type: single nucleotide variant.
Coding change: c.3874A>G on transcript NM_001128840.3 (MANE Select); coding-DNA position 3874, A replaced by G.
Protein change: p.Thr1292Ala; replaces threonine 1292 with alanine.
Molecular consequence: missense variant. On other transcripts: intron variant (1).
Genome position (GRCh38, 1-based): chr3:53,769,976, A>G. VCF-style: chr3-53769976-A-G. GRCh37 (hg19) VCF-style: chr3-53804003-A-G.
Other names: c.3934A>G, p.Thr1312Ala (NM_000720.4); c.3871-448A>G (NM_001128839.3); short protein forms T1312A, T1292A.
Identifiers: ClinVar variation 1495805 (VCV001495805.6), dbSNP rs780925951, ClinGen allele CA2454731.

ClinVar aggregate classification (germline): Uncertain significance (1 of 4 stars; one submission).

Allele frequency attached by ClinVar (database versions not stated): gnomAD exomes below 0.00001 and 0.00001; ExAC 0.00001.
gnomAD v4.1: 5 of 1,612,514 alleles (0.00031%); highest among the groups gnomAD compares: Admixed American, 0.0017%; no homozygotes.

Submission:

Labcorp Genetics (formerly Invitae), Labcorp
Classification: Uncertain significance. Last evaluated: 2023-12-06. Review status: criteria provided, single submitter. Criteria: Invitae Variant Classification Sherloc (09022015). Collection method: clinical testing. Allele origin: germline.
Comment: This sequence change replaces threonine, which is neutral and polar, with alanine, which is neutral and non-polar, at codon 1312 of the CACNA1D protein (p.Thr1312Ala). This variant is present in population databases (rs780925951, gnomAD 0.003%). This variant has not been reported in the literature in individuals affected with CACNA1D-related conditions. ClinVar contains an entry for this variant (Variation ID: 1495805). An algorithm developed to predict the effect of missense changes on protein structure and function (PolyPhen-2) suggests that this variant is likely to be tolerated. In summary, the available evidence is currently insufficient to determine the role of this variant in disease. Therefore, it has been classified as a Variant of Uncertain Significance.